The following is an entry in ClinVar:

NM_000064.4(C3):c.1730C>T (p.Pro577Leu)

Gene: C3 (complement C3; minus strand). Cytogenetic location: 19p13.3.
Variant type: single nucleotide variant.
Coding change: c.1730C>T on transcript NM_000064.4 (MANE Select); coding-DNA position 1730, C replaced by T.
Protein change: p.Pro577Leu; replaces proline 577 with leucine.
Molecular consequence: missense variant.
Genome position (GRCh38, 1-based): chr19:6,709,799, G>A on the plus strand (C>T on the coding strand, the complement: C3 is on the minus strand). VCF-style: chr19-6709799-G-A. GRCh37 (hg19) VCF-style: chr19-6709810-G-A.
Other names: short protein forms P577L.
Identifiers: ClinVar variation 2098923 (VCV002098923.4), dbSNP rs2512260734, ClinGen allele CA403639514.
Genomic context (GRCh38, chr19:6,709,799, plus strand): 5'-GCCACCAGTACCACCCGGGCCCCGTGGTCACCCTCTATCTTCAGGGTCATCTGCTGCCCA[G>A]GTACAGGCTGCCGGTCTTCTGACTGGCCGCTTTTTACCACCAGCTGTGGGGAGGGTGGAG-3'
Protein context (NP_000055.2, residues 567-587): SGQSEDRQPV[Pro577Leu]GQQMTLKIEG

ClinVar aggregate classification (germline): Uncertain significance (1 of 4 stars; one submission).

Submission:

Labcorp Genetics (formerly Invitae), Labcorp
Classification: Uncertain significance. Last evaluated: 2026-01-05. Review status: criteria provided, single submitter. Criteria: Invitae Variant Classification Sherloc (09022015). Collection method: clinical testing. Allele origin: germline.
Comment: This sequence change replaces proline, which is neutral and non-polar, with leucine, which is neutral and non-polar, at codon 577 of the C3 protein (p.Pro577Leu). This variant is not present in population databases (gnomAD no frequency). This variant has not been reported in the literature in individuals affected with C3-related conditions. ClinVar contains an entry for this variant (Variation ID: 2098923). Invitae Evidence Modeling of protein sequence and biophysical properties (such as structural, functional, and spatial information, amino acid conservation, physicochemical variation, residue mobility, and thermodynamic stability) has been performed for this missense variant. However, the output from this modeling did not meet the statistical confidence thresholds required to predict the impact of this variant on C3 protein function. In summary, the available evidence is currently insufficient to determine the role of this variant in disease. Therefore, it has been classified as a Variant of Uncertain Significance.